The following is an entry in ClinVar:

ClinVar aggregate classification (germline): Pathogenic (3 of 4 stars; one submission).

Conditions:
Breast-ovarian cancer, familial, susceptibility to, 2 (BROVCA2). Also called: BRCA2 Hereditary Breast and Ovarian Cancer. Identifiers: Orphanet 145, MedGen C2675520, MONDO:0012933, OMIM 612555. Disease mechanism: loss of function.

Submission:

Evidence-based Network for the Interpretation of Germline Mutant Alleles (ENIGMA)
Classification: Pathogenic for Breast-ovarian cancer, familial, susceptibility to, 2. Last evaluated: 2017-12-15. Review status: reviewed by expert panel. Criteria: ENIGMA BRCA1/2 Classification Criteria (2017-06-29). Collection method: curation. Allele origin: germline. Study: ENIGMA.
Comment: Variant allele predicted to encode a truncated non-functional protein.

NM_000059.4(BRCA2):c.8708_8709dup (p.Leu2904fs)

Gene: BRCA2 (BRCA2 DNA repair associated; plus strand). Cytogenetic location: 13q13.1.
Variant type: Microsatellite.
Coding change: c.8708_8709dup on transcript NM_000059.4 (MANE Select); coding-DNA positions 8708 to 8709, 2 bases duplicated (AG; older notation c.8708_8709dupAG).
Protein change: p.Leu2904fs; shifts the reading frame from leucine 2904.
Molecular consequence: frameshift variant.
Genome position (GRCh38, 1-based): chr13:32,376,745-32,376,746, AG duplicated; duplicating any 2 consecutive bases within chr13:32,376,743-32,376,746 gives the same sequence; the c. name uses the placement nearest the transcript's 3' end. VCF-style (leftmost placement, unchanged base first): chr13-32376742-C-CAG. GRCh37 (hg19) VCF-style: chr13-32950879-C-CAG.
Other names: short protein forms L2904fs.
Identifiers: ClinVar variation 548407 (VCV000548407.1), dbSNP rs1555288165, ClinGen allele CA658823610.
Genomic context (GRCh38, chr13:32,376,742, plus strand): 5'-AACCATATTTACCATCACGTGCACTAACAAGACAGCAAGTTCGTGCTTTGCAAGATGGTG[C>CAG]AGAGCTTTATGAAGCAGTGAAGAATGCAGCAGACCCAGCTTACCTTGAGGTGAGAGAGTA-3'